The following is an entry in ClinVar:

NM_003036.4(SKI):c.1871AGA[2] (p.Lys626del)

Gene: SKI (SKI proto-oncogene; plus strand). Cytogenetic location: 1p36.32.
Variant type: Microsatellite.
Coding change: c.1871AGA[2] on transcript NM_003036.4 (MANE Select); two copies in a row of the 3-base unit AGA starting at c.1871; the reference has three copies in a row; one copy, 3 bases deleted.
Protein change: p.Lys626del; deletes lysine 626.
Molecular consequence: inframe deletion.
Genome position (GRCh38, 1-based): chr1:2,306,129-2,306,131, AGA deleted; deleting any 3 consecutive bases within chr1:2,306,123-2,306,131 gives the same sequence; the position shown is the placement nearest the transcript's 3' end. VCF-style (leftmost placement, unchanged base first): chr1-2306122-GAGA-G. GRCh37 (hg19) VCF-style: chr1-2237561-GAGA-G.
Other names: c.1877_1879delAGA (NM_003036.3); short protein forms K626del.
Identifiers: ClinVar variation 213705 (VCV000213705.11), dbSNP rs863223726, ClinGen allele CA323143.
Genomic context (GRCh38, chr1:2,306,122, plus strand): 5'-GAGGCCACGGAGGCCAAGCGTAACCTGCGGAAGGAGATCGAGCGTCTCCGCGCCGAGAAC[GAGA>G]AGAAGATGAAAGAGGCCAACGAGTCACGGCTGCGCCTGAAGCGGGAGCTGGAGCAGGCGC-3'

ClinVar aggregate classification (germline): Uncertain significance. Review status: criteria provided, multiple submitters, no conflicts (2 of 4 stars). 3 submissions from 3 submitters: Uncertain significance (3). Last evaluated 2026-01-24.

Conditions:
Familial thoracic aortic aneurysm and aortic dissection (TAAD). Also called: Thoracic aortic aneurysms and dissections. Identifiers: Orphanet 91387, MedGen C4707243, MONDO:0019625.
Shprintzen-Goldberg syndrome (SGS). Also called: CRANIOSYNOSTOSIS WITH ARACHNODACTYLY AND ABDOMINAL HERNIAS; Marfanoid disorder with craniosynostosis type 1; Marfanoid craniosynostosis syndrome; Shprintzen-Goldberg marfanoid syndrome; SHPRINTZEN-GOLDBERG CRANIOSYNOSTOSIS SYNDROME. Identifiers: Orphanet 2462, MedGen C1321551, MONDO:0008426, OMIM 182212.

Submissions (3):

Labcorp Genetics (formerly Invitae), Labcorp
Classification: Uncertain significance for Shprintzen-Goldberg syndrome. Last evaluated: 2026-01-24. Review status: criteria provided, single submitter. Criteria: Invitae Variant Classification Sherloc (09022015). Collection method: clinical testing. Allele origin: germline.
Comment: This variant, c.1877_1879del, results in the deletion of 1 amino acid(s) of the SKI protein (p.Lys626del), but otherwise preserves the integrity of the reading frame. This variant is not present in population databases (gnomAD no frequency). This variant has not been reported in the literature in individuals affected with SKI-related conditions. ClinVar contains an entry for this variant (Variation ID: 213705). Experimental studies and prediction algorithms are not available or were not evaluated, and the functional significance of this variant is currently unknown. In summary, the available evidence is currently insufficient to determine the role of this variant in disease. Therefore, it has been classified as a Variant of Uncertain Significance.

Ambry Genetics
Classification: Uncertain significance for Familial thoracic aortic aneurysm and aortic dissection. Last evaluated: 2024-07-23. Review status: criteria provided, single submitter. Criteria: Ambry Variant Classification Scheme 2023. Collection method: clinical testing. Allele origin: germline.
Comment: The c.1877_1879delAGA variant (also known as p.K626del) is located in coding exon 6 of the SKI gene. This variant results from an in-frame AGA deletion at nucleotide positions 1877 to 1879. This results in the in-frame deletion of a lysine at codon 626. This amino acid position is highly conserved in available vertebrate species. In addition, this alteration is predicted to be deleterious by in silico analysis (Choi Y et al. PLoS ONE. 2012; 7(10):e46688). Based on the available evidence, the clinical significance of this variant remains unclear.

GeneDx
Classification: Uncertain significance. Last evaluated: 2019-08-15. Review status: criteria provided, single submitter. Criteria: GeneDx Variant Classification Process June 2021. Collection method: clinical testing. Allele origin: germline. Affected: yes.
Comment: Has not been previously published as pathogenic or benign to our knowledge; Reported in ClinVar as a variant of uncertain significance but additional evidence is not available (ClinVar Variant ID# 213705; Landrum et al., 2016); Not observed in large population cohorts (Lek et al., 2016); In-frame deletion of one lysine residue, and in silico analysis, which includes protein predictors and evolutionary conservation, supports a deleterious effect